The following is an entry in ClinVar:

NM_005002.5(NDUFA9):c.328G>A (p.Ala110Thr)

Gene: NDUFA9 (NADH:ubiquinone oxidoreductase subunit A9; plus strand). Cytogenetic location: 12p13.32.
Variant type: single nucleotide variant.
Coding change: c.328G>A on transcript NM_005002.5 (MANE Select); coding-DNA position 328, G replaced by A.
Protein change: p.Ala110Thr; replaces alanine 110 with threonine.
Molecular consequence: missense variant.
Genome position (GRCh38, 1-based): chr12:4,657,757, G>A. VCF-style: chr12-4657757-G-A. GRCh37 (hg19) VCF-style: chr12-4766923-G-A.
Other names: short protein forms A110T.
Identifiers: ClinVar variation 1511275 (VCV001511275.6), dbSNP rs772426441, ClinGen allele CA6398067.

ClinVar aggregate classification (germline): Uncertain significance (1 of 4 stars; one submission).

Allele frequency attached by ClinVar (database versions not stated): ExAC 0.00001; gnomAD 0.00001; gnomAD exomes 0.00002; TOPMed 0.00003.
gnomAD v4.1: 16 of 1,612,288 alleles (0.00099%); highest among the groups gnomAD compares: East Asian, 0.0045%; no homozygotes.

Submission:

Labcorp Genetics (formerly Invitae), Labcorp
Classification: Uncertain significance. Last evaluated: 2025-09-15. Review status: criteria provided, single submitter. Criteria: Invitae Variant Classification Sherloc (09022015). Collection method: clinical testing. Allele origin: germline.
Comment: This sequence change replaces alanine, which is neutral and non-polar, with threonine, which is neutral and polar, at codon 110 of the NDUFA9 protein (p.Ala110Thr). This variant is present in population databases (rs772426441, gnomAD 0.003%). This variant has not been reported in the literature in individuals affected with NDUFA9-related conditions. ClinVar contains an entry for this variant (Variation ID: 1511275). An algorithm developed to predict the effect of missense changes on protein structure and function (PolyPhen-2) suggests that this variant is likely to be tolerated. In summary, the available evidence is currently insufficient to determine the role of this variant in disease. Therefore, it has been classified as a Variant of Uncertain Significance.